The following is an entry in ClinVar:

NM_005228.5(EGFR):c.1930C>T (p.Pro644Ser)

Gene: EGFR (epidermal growth factor receptor; plus strand). Cytogenetic location: 7p11.2.
Variant type: single nucleotide variant.
Coding change: c.1930C>T on transcript NM_005228.5 (MANE Select); coding-DNA position 1930, C replaced by T.
Protein change: p.Pro644Ser; replaces proline 644 with serine.
Molecular consequence: missense variant.
Genome position (GRCh38, 1-based): chr7:55,172,993, C>T. VCF-style: chr7-55172993-C-T. GRCh37 (hg19) VCF-style: chr7-55240686-C-T.
Other names: c.1795C>T, p.Pro599Ser (NM_001346897.2, NM_001346899.2); c.1930C>T, p.Pro644Ser (NM_001346898.2); c.1771C>T, p.Pro591Ser (NM_001346900.2); c.1129C>T, p.Pro377Ser (NM_001346941.2); short protein forms P591S, P377S, P644S, P599S.
Identifiers: ClinVar variation 3660435 (VCV003660435.2).

ClinVar aggregate classification (germline): Uncertain significance (1 of 4 stars; one submission).

Conditions:
EGFR-related lung cancer (EGFR). Identifiers: MedGen CN130014.

Submission:

Labcorp Genetics (formerly Invitae), Labcorp
Classification: Uncertain significance for EGFR-related lung cancer. Last evaluated: 2024-07-24. Review status: criteria provided, single submitter. Criteria: Invitae Variant Classification Sherloc (09022015). Collection method: clinical testing. Allele origin: germline.
Comment: This sequence change replaces proline, which is neutral and non-polar, with serine, which is neutral and polar, at codon 644 of the EGFR protein (p.Pro644Ser). This variant is not present in population databases (gnomAD no frequency). This variant has not been reported in the literature in individuals affected with EGFR-related conditions. Advanced modeling of protein sequence and biophysical properties (such as structural, functional, and spatial information, amino acid conservation, physicochemical variation, residue mobility, and thermodynamic stability) performed at Invitae indicates that this missense variant is not expected to disrupt EGFR protein function with a negative predictive value of 80%. In summary, the available evidence is currently insufficient to determine the role of this variant in disease. Therefore, it has been classified as a Variant of Uncertain Significance.